The following is an entry in ClinVar:

ClinVar aggregate classification (germline): Pathogenic (1 of 4 stars; one submission).

Conditions:
Alstrom syndrome (ALMS). Identifiers: Orphanet 64, MedGen C0268425, MONDO:0008763, OMIM 203800.

Submission:

Labcorp Genetics (formerly Invitae), Labcorp
Classification: Pathogenic for Alstrom syndrome. Last evaluated: 2020-12-13. Review status: criteria provided, single submitter. Criteria: Invitae Variant Classification Sherloc (09022015). Collection method: clinical testing. Allele origin: germline.
Comment: For these reasons, this variant has been classified as Pathogenic. This variant has not been reported in the literature in individuals with ALMS1-related conditions. This variant is not present in population databases (ExAC no frequency). This sequence change creates a premature translational stop signal (p.Gln2990*) in the ALMS1 gene. It is expected to result in an absent or disrupted protein product. Loss-of-function variants in ALMS1 are known to be pathogenic (PMID: 17594715).

Literature cited by the submitters: PubMed 17594715.

NM_001378454.1(ALMS1):c.8965C>T (p.Gln2989Ter)

Gene: ALMS1 (ALMS1 centrosome and basal body associated protein; plus strand). Cytogenetic location: 2p13.1.
Variant type: single nucleotide variant.
Coding change: c.8965C>T on transcript NM_001378454.1 (MANE Select); coding-DNA position 8965, C replaced by T.
Protein change: p.Gln2989Ter; replaces glutamine 2989 with a stop codon.
Molecular consequence: nonsense.
Genome position (GRCh38, 1-based): chr2:73,490,924, C>T. VCF-style: chr2-73490924-C-T. GRCh37 (hg19) VCF-style: chr2-73718051-C-T.
Other names: c.8968C>T, p.Gln2990Ter (NM_015120.4); short protein forms Q2990*, Q2989*.
Identifiers: ClinVar variation 1456314 (VCV001456314.6), dbSNP rs2103894102, ClinGen allele CA347271981.